The following is an entry in ClinVar:

ClinVar aggregate classification (germline): Likely benign. Review status: criteria provided, multiple submitters, no conflicts (2 of 4 stars). 3 submissions from 3 submitters: Likely benign (3). Last evaluated 2023-08-15.

Conditions:
RYR1-related disorder. Also called: RYR1-related condition; RYR1-related disorders. Identifiers: MedGen CN239331.
Malignant hyperthermia, susceptibility to, 1 (MHS1). Also called: RYR1-Related Malignant Hyperthermia Susceptibility; Anesthesia related hyperthermia; Malignant hyperpyrexia; Fulminating hyperpyrexia; Pharmacogenic myopathy; Malignant hyperthermia suceptibility 1. Identifiers: Orphanet 423, MedGen C2930980, MONDO:0007783, OMIM 145600.

Submissions (3):

All of Us Research Program, National Institutes of Health
Classification: Likely benign for Malignant hyperthermia, susceptibility to, 1. Last evaluated: 2023-08-15. Review status: criteria provided, single submitter. Criteria: ACMG Guidelines, 2015. Collection method: clinical testing. Allele origin: germline. Inheritance: Autosomal dominant inheritance. Observed: 2 variant alleles, 2 heterozygotes.
Comment: This study involves interpretation of variants in research participants for the purpose of population health screening. Participant phenotype was not available at the time of variant classification. Additional details can be found in publication PMID: 35346344, PMCID: PMC8962531

Labcorp Genetics (formerly Invitae), Labcorp
Classification: Likely benign for RYR1-related disorder. Last evaluated: 2023-03-08. Review status: criteria provided, single submitter. Criteria: Invitae Variant Classification Sherloc (09022015). Collection method: clinical testing. Allele origin: germline.

PreventionGenetics, part of Exact Sciences
Classification: Likely benign. Review status: criteria provided, single submitter. Criteria: ACMG Guidelines, 2015. Collection method: clinical testing. Allele origin: germline.

NM_000540.3(RYR1):c.7890G>C (p.Val2630=)

Gene: RYR1 (ryanodine receptor 1; plus strand). Cytogenetic location: 19q13.2.
Variant type: single nucleotide variant.
Coding change: c.7890G>C on transcript NM_000540.3 (MANE Select); coding-DNA position 7890, G replaced by C.
Protein change: p.Val2630=; no amino-acid change (valine 2630 retained).
Molecular consequence: synonymous variant.
Genome position (GRCh38, 1-based): chr19:38,502,934, G>C. VCF-style: chr19-38502934-G-C. GRCh37 (hg19) VCF-style: chr19-38993574-G-C.
Other names: c.7890G>C, p.Val2630= (NM_001042723.2).
Identifiers: ClinVar variation 256566 (VCV000256566.7), dbSNP rs763110834, ClinGen allele CA10587321.